The following is an entry in ClinVar:

NM_022051.3(EGLN1):c.668_673dup (p.Asp224_Glu225insGlyAsp)

Gene: EGLN1 (egl-9 family hypoxia inducible factor 1; minus strand). Cytogenetic location: 1q42.2.
Variant type: Duplication.
Coding change: c.668_673dup on transcript NM_022051.3 (MANE Select); coding-DNA positions 668 to 673, 6 bases duplicated (GCGACG; older notation c.668_673dupGCGACG).
Protein change: p.Asp224_Glu225insGlyAsp.
Molecular consequence: inframe insertion.
Genome position (GRCh38, 1-based): chr1:231,421,216-231,421,221, CGTCGC duplicated on the plus strand (GCGACG on the coding strand, the reverse complement: EGLN1 is on the minus strand); duplicating any 6 consecutive bases within chr1:231,421,216-231,421,223 gives the same sequence; the c. name uses the placement nearest the transcript's 3' end. VCF-style (leftmost placement, unchanged base first): chr1-231421215-T-TCGTCGC. GRCh37 (hg19) VCF-style: chr1-231556961-T-TCGTCGC.
Other names: c.668_673dup, p.Asp224_Glu225insGlyAsp (NM_001377260.1, NM_001377261.1).
Identifiers: ClinVar variation 2751396 (VCV002751396.3), dbSNP rs2527359027, ClinGen allele CA2697554959.
Genomic context (GRCh38, chr1:231,421,215, plus strand): 5'-CTCTTCTGGCTGACCAGCTGCCCGTCCGTGAACTTCCCGGTGTCGTGCAGGGCGCGCACC[T>TCGTCGC]CGTCGCCGATCTGCTGTCCGGTCTCCTTGCCGAGGAAGTCGTCCACCACACAGATGCCGT-3'

ClinVar aggregate classification (germline): Uncertain significance (1 of 4 stars; one submission).

Conditions:
Erythrocytosis, familial, 3 (ECYT3). Identifiers: Orphanet 247511, MedGen C1853286, MONDO:0012353, OMIM 609820.

Submission:

Labcorp Genetics (formerly Invitae), Labcorp
Classification: Uncertain significance for Erythrocytosis, familial, 3. Last evaluated: 2023-05-30. Review status: criteria provided, single submitter. Criteria: Invitae Variant Classification Sherloc (09022015). Collection method: clinical testing. Allele origin: germline.
Comment: This variant, c.668_673dup, results in the insertion of 2 amino acid(s) of the EGLN1 protein (p.Gly223_Asp224dup), but otherwise preserves the integrity of the reading frame. This variant is not present in population databases (gnomAD no frequency). This variant has not been reported in the literature in individuals affected with EGLN1-related conditions. In summary, the available evidence is currently insufficient to determine the role of this variant in disease. Therefore, it has been classified as a Variant of Uncertain Significance.